The following is an entry in ClinVar:

ClinVar aggregate classification (germline): Benign/Likely benign. Review status: criteria provided, multiple submitters, no conflicts (2 of 4 stars). 12 submissions from 11 submitters: Benign (5); Likely benign (4). 3 of the submissions do not count toward it. Last evaluated 2026-02-04.

Conditions:
Generalized epilepsy with febrile seizures plus, type 1 (GEFSP1). Also called: GEFS+, TYPE 1. Identifiers: Orphanet 36387, MedGen C1858672, MONDO:0011416, OMIM 604233.
Brugada syndrome 5 (BRGDA5). Identifiers: Orphanet 130, Orphanet 871, MedGen C2748541, MONDO:0013015, OMIM 612838.
Atrial fibrillation, familial, 13 (ATFB13). Identifiers: MedGen C3809311, MONDO:0014155, OMIM 615377.
Developmental and epileptic encephalopathy, 52 (DEE52). Also called: Epileptic encephalopathy, early infantile, 52. Identifiers: MedGen C4479236, MONDO:0033361, OMIM 617350.

Allele frequency attached by ClinVar (database versions not stated): 1000 Genomes Project 30x 0.00781; 1000 Genomes Project 0.00799; TOPMed 0.00884; gnomAD 0.00920 and 0.00952; ESP Exome Variant Server 0.01107; gnomAD exomes 0.01123 and 0.01447; ExAC 0.01178.
gnomAD v4.1: 22,457 of 1,614,010 alleles (1.4%); highest among the groups gnomAD compares: South Asian, 1.9%; 197 homozygotes.

Submissions 1 to 27 of 47:

Labcorp Genetics (formerly Invitae), Labcorp
Classification: Benign for Brugada syndrome 5. Last evaluated: 2026-02-04. Review status: criteria provided, single submitter. Criteria: Invitae Variant Classification Sherloc (09022015). Collection method: clinical testing. Allele origin: germline.

ARUP Laboratories, Molecular Genetics and Genomics, ARUP Laboratories
Classification: Benign. Last evaluated: 2025-02-12. Review status: criteria provided, single submitter. Criteria: ARUP Molecular Germline Variant Investigation Process 2024. Collection method: clinical testing. Allele origin: germline.

Blueprint Genetics
Classification: Likely benign. Last evaluated: 2024-11-27. Review status: criteria provided, single submitter. Criteria: ACMG Guidelines, 2015. Collection method: clinical testing. Allele origin: germline.

Fulgent Genetics
Classification: Likely benign for Generalized epilepsy with febrile seizures plus, type 1; Brugada syndrome 5; Atrial fibrillation, familial, 13; Developmental and epileptic encephalopathy, 52. Last evaluated: 2021-10-20. Review status: criteria provided, single submitter. Criteria: ACMG Guidelines, 2015. Collection method: clinical testing. Allele origin: unknown.

Illumina Laboratory Services, Illumina
Classification: Likely benign for Generalized epilepsy with febrile seizures plus, type 1. Last evaluated: 2018-01-13. Review status: criteria provided, single submitter. Criteria: ICSL Variant Classification Criteria 13 December 2019. Collection method: clinical testing. Allele origin: germline.
Comment: This variant was observed in the ICSL laboratory as part of a predisposition screen in an ostensibly healthy population. It had not been previously curated by ICSL or reported in the Human Gene Mutation Database (HGMD: prior to June 1st, 2018), and was therefore a candidate for classification through an automated scoring system. Utilizing variant allele frequency, disease prevalence and penetrance estimates, and inheritance mode, an automated score was calculated to assess if this variant is too frequent to cause the disease. Based on the score and internal cut-off values, a variant classified as likely benign is not then subjected to further curation. The score for this variant resulted in a classification of likely benign for this disease.

Illumina Laboratory Services, Illumina
Classification: Benign for Brugada syndrome 5. Last evaluated: 2018-01-13. Review status: criteria provided, single submitter. Criteria: ICSL Variant Classification Criteria 13 December 2019. Collection method: clinical testing. Allele origin: germline.
Comment: This variant was observed in the ICSL laboratory as part of a predisposition screen in an ostensibly healthy population. It had not been previously curated by ICSL or reported in the Human Gene Mutation Database (HGMD: prior to June 1st, 2018), and was therefore a candidate for classification through an automated scoring system. Utilizing variant allele frequency, disease prevalence and penetrance estimates, and inheritance mode, an automated score was calculated to assess if this variant is too frequent to cause the disease. Based on the score and internal cut-off values, a variant classified as benign is not then subjected to further curation. The score for this variant resulted in a classification of benign for this disease.

GeneDx
Classification: Benign. Last evaluated: 2015-03-03. Review status: criteria provided, single submitter. Criteria: GeneDx Variant Classification Process June 2021. Collection method: clinical testing. Allele origin: germline. Affected: yes.

Breakthrough Genomics
Classification: Likely benign. Review status: criteria provided, single submitter. Criteria: ACMG Guidelines, 2015. Collection method: not provided. Allele origin: germline. Inheritance: Autosomal recessive inheritance. Affected: yes.

PreventionGenetics, part of Exact Sciences
Classification: Benign. Review status: criteria provided, single submitter. Criteria: ACMG Guidelines, 2015. Collection method: clinical testing. Allele origin: germline.

Clinical Genetics, Academic Medical Center
Classification: Benign. Review status: no assertion criteria provided. Collection method: clinical testing. Allele origin: germline. Affected: yes. Study: VKGL Data-share Consensus. Not counted in ClinVar's aggregate classification.

Dr. Peter K. Rogan Lab, Western University
No classification provided (evidence only). Condition: Clear cell carcinoma of kidney. Review status: no classification provided. Collection method: in vitro. Allele origin: not applicable. Functional consequence: retained intron. Not counted in ClinVar's aggregate classification.

Dr. Peter K. Rogan Lab, Western University
No classification provided (evidence only). Condition: Clear cell carcinoma of kidney. Review status: no classification provided. Collection method: in vitro. Allele origin: not applicable. Functional consequence: retained intron. Not counted in ClinVar's aggregate classification.

Dr. Peter K. Rogan Lab, Western University
No classification provided (evidence only). Condition: Clear cell carcinoma of kidney. Review status: no classification provided. Collection method: in vitro. Allele origin: not applicable. Functional consequence: retained intron. Not counted in ClinVar's aggregate classification.

Dr. Peter K. Rogan Lab, Western University
No classification provided (evidence only). Condition: Clear cell carcinoma of kidney. Review status: no classification provided. Collection method: in vitro. Allele origin: not applicable. Functional consequence: retained intron. Not counted in ClinVar's aggregate classification.

Dr. Peter K. Rogan Lab, Western University
No classification provided (evidence only). Condition: Clear cell carcinoma of kidney. Review status: no classification provided. Collection method: in vitro. Allele origin: not applicable. Functional consequence: retained intron. Not counted in ClinVar's aggregate classification.

Dr. Peter K. Rogan Lab, Western University
No classification provided (evidence only). Condition: Clear cell carcinoma of kidney. Review status: no classification provided. Collection method: in vitro. Allele origin: not applicable. Functional consequence: retained intron. Not counted in ClinVar's aggregate classification.

Dr. Peter K. Rogan Lab, Western University
No classification provided (evidence only). Condition: Clear cell carcinoma of kidney. Review status: no classification provided. Collection method: in vitro. Allele origin: not applicable. Functional consequence: retained intron. Not counted in ClinVar's aggregate classification.

Dr. Peter K. Rogan Lab, Western University
No classification provided (evidence only). Condition: Clear cell carcinoma of kidney. Review status: no classification provided. Collection method: in vitro. Allele origin: not applicable. Functional consequence: retained intron. Not counted in ClinVar's aggregate classification.

Dr. Peter K. Rogan Lab, Western University
No classification provided (evidence only). Condition: Lung cancer. Review status: no classification provided. Collection method: in vitro. Allele origin: not applicable. Functional consequence: retained intron. Not counted in ClinVar's aggregate classification.

Dr. Peter K. Rogan Lab, Western University
No classification provided (evidence only). Condition: Lung cancer. Review status: no classification provided. Collection method: in vitro. Allele origin: not applicable. Functional consequence: retained intron. Not counted in ClinVar's aggregate classification.

Dr. Peter K. Rogan Lab, Western University
No classification provided (evidence only). Condition: Familial cancer of breast. Review status: no classification provided. Collection method: in vitro. Allele origin: not applicable. Functional consequence: retained intron. Not counted in ClinVar's aggregate classification.

Dr. Peter K. Rogan Lab, Western University
No classification provided (evidence only). Condition: Familial cancer of breast. Review status: no classification provided. Collection method: in vitro. Allele origin: not applicable. Functional consequence: retained intron. Not counted in ClinVar's aggregate classification.

Dr. Peter K. Rogan Lab, Western University
No classification provided (evidence only). Condition: Familial cancer of breast. Review status: no classification provided. Collection method: in vitro. Allele origin: not applicable. Functional consequence: retained intron. Not counted in ClinVar's aggregate classification.

Dr. Peter K. Rogan Lab, Western University
No classification provided (evidence only). Condition: Familial cancer of breast. Review status: no classification provided. Collection method: in vitro. Allele origin: not applicable. Functional consequence: retained intron. Not counted in ClinVar's aggregate classification.

Dr. Peter K. Rogan Lab, Western University
No classification provided (evidence only). Condition: Familial cancer of breast. Review status: no classification provided. Collection method: in vitro. Allele origin: not applicable. Functional consequence: retained intron. Not counted in ClinVar's aggregate classification.

Dr. Peter K. Rogan Lab, Western University
No classification provided (evidence only). Condition: Acute myeloid leukemia. Review status: no classification provided. Collection method: in vitro. Allele origin: not applicable. Functional consequence: retained intron. Not counted in ClinVar's aggregate classification.

Dr. Peter K. Rogan Lab, Western University
No classification provided (evidence only). Condition: Uterine corpus endometrial carcinoma. Review status: no classification provided. Collection method: in vitro. Allele origin: not applicable. Functional consequence: retained intron. Not counted in ClinVar's aggregate classification.

NM_001037.5(SCN1B):c.591-14C>A

Gene: SCN1B (sodium voltage-gated channel beta subunit 1; plus strand). Cytogenetic location: 19q13.11.
Variant type: single nucleotide variant.
Coding change: c.591-14C>A on transcript NM_001037.5 (MANE Select); 14 bases into the intron before coding-DNA position 591, C replaced by A.
Molecular consequence: intron variant.
Genome position (GRCh38, 1-based): chr19:35,039,621, C>A. VCF-style: chr19-35039621-C-A. GRCh37 (hg19) VCF-style: chr19-35530525-C-A.
Other names: c.492-14C>A (NM_001321605.2).
Identifiers: ClinVar variation 257220 (VCV000257220.31), dbSNP rs28365109, ClinGen allele CA9372116.